The following is an entry in ClinVar:

NM_032043.3(BRIP1):c.1089C>A (p.Asp363Glu)

Gene: BRIP1 (BRCA1 interacting DNA helicase 1; minus strand). Cytogenetic location: 17q23.2.
Variant type: single nucleotide variant.
Coding change: c.1089C>A on transcript NM_032043.3 (MANE Select); coding-DNA position 1089, C replaced by A.
Protein change: p.Asp363Glu; replaces aspartic acid 363 with glutamic acid.
Molecular consequence: missense variant.
Genome position (GRCh38, 1-based): chr17:61,801,304, G>T on the plus strand (C>A on the coding strand, the complement: BRIP1 is on the minus strand). VCF-style: chr17-61801304-G-T. GRCh37 (hg19) VCF-style: chr17-59878665-G-T.
Other names: short protein forms D363E.
Identifiers: ClinVar variation 818354 (VCV000818354.4), dbSNP rs139701369, ClinGen allele CA400483957.

ClinVar aggregate classification (germline): Uncertain significance (1 of 4 stars; one submission).

Conditions:
Hereditary cancer-predisposing syndrome. Also called: Tumor predisposition; Hereditary neoplastic syndrome; Neoplastic Syndromes, Hereditary; Hereditary Cancer Syndrome. Identifiers: Orphanet 140162, MedGen C0027672, MeSH D009386, MONDO:0015356.

Submission:

Ambry Genetics
Classification: Uncertain significance for Hereditary cancer-predisposing syndrome. Last evaluated: 2018-11-02. Review status: criteria provided, single submitter. Criteria: Ambry Variant Classification Scheme 2023. Collection method: clinical testing. Allele origin: germline.
Comment: The p.D363E variant (also known as c.1089C>A), located in coding exon 7 of the BRIP1 gene, results from a C to A substitution at nucleotide position 1089. The aspartic acid at codon 363 is replaced by glutamic acid, an amino acid with highly similar properties. This amino acid position is not well conserved in available vertebrate species. In addition, this alteration is predicted to be tolerated by in silico analysis. Since supporting evidence is limited at this time, the clinical significance of this alteration remains unclear.